The following is an entry in ClinVar:

NM_000142.5(FGFR3):c.1558T>C (p.Ser520Pro)

Gene: FGFR3 (fibroblast growth factor receptor 3; plus strand). Cytogenetic location: 4p16.3.
Variant type: single nucleotide variant.
Coding change: c.1558T>C on transcript NM_000142.5 (MANE Select); coding-DNA position 1558, T replaced by C.
Protein change: p.Ser520Pro; replaces serine 520 with proline.
Molecular consequence: missense variant. On other transcripts: non-coding transcript variant (1).
Genome position (GRCh38, 1-based): chr4:1,805,582, T>C. VCF-style: chr4-1805582-T-C. GRCh37 (hg19) VCF-style: chr4-1807309-T-C.
Other names: c.1564T>C, p.Ser522Pro (NM_001163213.2); c.1561T>C, p.Ser521Pro (NM_001354809.2, NM_001354810.2); c.1222T>C, p.Ser408Pro (NM_022965.4); short protein forms S408P, S520P, S521P, S522P.
Identifiers: ClinVar variation 4975503 (VCV004975503.1).

ClinVar aggregate classification (germline): Uncertain significance (1 of 4 stars; one submission).

gnomAD v4.1: 1 of 1,613,260 alleles (0.000062%); highest among the groups gnomAD compares: Admixed American, 0.0017%; no homozygotes.

Submission:

GeneDx
Classification: Uncertain significance. Last evaluated: 2026-01-22. Review status: criteria provided, single submitter. Criteria: GeneDx Variant Classification Process June 2021. Collection method: clinical testing. Allele origin: germline.
Comment: In silico analysis supports that this missense variant has a deleterious effect on protein structure/function; Has not been previously published as pathogenic or benign to our knowledge